The following is an entry in ClinVar:

ClinVar aggregate classification (germline): Uncertain significance (1 of 4 stars; one submission).

Allele frequency attached by ClinVar (database versions not stated): ExAC 0.00001; gnomAD 0.00001.
gnomAD v4.1: 15 of 1,614,088 alleles (0.00093%); highest among the groups gnomAD compares: East Asian, 0.0022%; 1 homozygote.

Submission:

Labcorp Genetics (formerly Invitae), Labcorp
Classification: Uncertain significance. Last evaluated: 2025-10-11. Review status: criteria provided, single submitter. Criteria: Invitae Variant Classification Sherloc (09022015). Collection method: clinical testing. Allele origin: germline.
Comment: This sequence change replaces proline, which is neutral and non-polar, with leucine, which is neutral and non-polar, at codon 704 of the IL12RB2 protein (p.Pro704Leu). This variant is present in population databases (rs761763122, gnomAD 0.003%). This variant has not been reported in the literature in individuals affected with IL12RB2-related conditions. ClinVar contains an entry for this variant (Variation ID: 1918738). An algorithm developed to predict the effect of missense changes on protein structure and function (PolyPhen-2) suggests that this variant is likely to be tolerated. In summary, the available evidence is currently insufficient to determine the role of this variant in disease. Therefore, it has been classified as a Variant of Uncertain Significance.

NM_001374259.2(IL12RB2):c.2111C>T (p.Pro704Leu)

Gene: IL12RB2 (interleukin 12 receptor subunit beta 2; plus strand). Cytogenetic location: 1p31.3.
Variant type: single nucleotide variant.
Coding change: c.2111C>T on transcript NM_001374259.2 (MANE Select); coding-DNA position 2111, C replaced by T.
Protein change: p.Pro704Leu; replaces proline 704 with leucine.
Molecular consequence: missense variant. On other transcripts: 3 prime UTR variant (3), non-coding transcript variant (2).
Genome position (GRCh38, 1-based): chr1:67,395,611, C>T. VCF-style: chr1-67395611-C-T. GRCh37 (hg19) VCF-style: chr1-67861294-C-T.
Other names: c.*31C>T (NM_001258214.1, NM_001319233.1); c.1853C>T, p.Pro618Leu (NM_001258215.1); c.*12C>T (NM_001258216.1); c.2111C>T, p.Pro704Leu (NM_001559.3); short protein forms P618L, P704L.
Identifiers: ClinVar variation 1918738 (VCV001918738.5), dbSNP rs761763122, ClinGen allele CA900673.